The following is an entry in ClinVar:

ClinVar aggregate classification (germline): Uncertain significance (1 of 4 stars; one submission).

Submission:

Labcorp Genetics (formerly Invitae), Labcorp
Classification: Uncertain significance. Last evaluated: 2020-12-22. Review status: criteria provided, single submitter. Criteria: Invitae Variant Classification Sherloc (09022015). Collection method: clinical testing. Allele origin: germline.
Comment: This variant is not present in population databases (ExAC no frequency). This sequence change falls in intron 5 of the CNGB3 gene. It does not directly change the encoded amino acid sequence of the CNGB3 protein. It affects a nucleotide within the consensus splice site of the intron. This variant has not been reported in the literature in individuals with CNGB3-related conditions. In summary, the available evidence is currently insufficient to determine the role of this variant in disease. Therefore, it has been classified as a Variant of Uncertain Significance. Nucleotide substitutions within the consensus splice site are a relatively common cause of aberrant splicing (PMID: 17576681, 9536098). Algorithms developed to predict the effect of sequence changes on RNA splicing suggest that this variant may disrupt the consensus splice site, but this prediction has not been confirmed by published transcriptional studies.

Literature cited by the submitters: PubMed 17576681; PubMed 9536098.

NM_019098.5(CNGB3):c.643+3A>T

Gene: CNGB3 (cyclic nucleotide gated channel subunit beta 3; minus strand). Cytogenetic location: 8q21.3.
Variant type: single nucleotide variant.
Coding change: c.643+3A>T on transcript NM_019098.5 (MANE Select); 3 bases into the intron after coding-DNA position 643, A replaced by T.
Molecular consequence: intron variant.
Genome position (GRCh38, 1-based): chr8:86,668,016, T>A on the plus strand (A>T on the coding strand, the complement: CNGB3 is on the minus strand). VCF-style: chr8-86668016-T-A. GRCh37 (hg19) VCF-style: chr8-87680244-T-A.
Identifiers: ClinVar variation 1524694 (VCV001524694.6), dbSNP rs2131615925, ClinGen allele CA2573143408.